The following is an entry in ClinVar:

NM_020223.4(FAM20C):c.419T>C (p.Leu140Pro)

Gene: FAM20C (FAM20C golgi associated secretory pathway kinase; plus strand). Cytogenetic location: 7p22.3.
Variant type: single nucleotide variant.
Coding change: c.419T>C on transcript NM_020223.4 (MANE Select); coding-DNA position 419, T replaced by C.
Protein change: p.Leu140Pro; replaces leucine 140 with proline.
Molecular consequence: missense variant.
Genome position (GRCh38, 1-based): chr7:193,618, T>C. VCF-style: chr7-193618-T-C. GRCh37 (hg19) VCF-style: chr7-193618-T-C.
Other names: short protein forms L140P.
Identifiers: ClinVar variation 1715878 (VCV001715878.5), dbSNP rs2534529456, ClinGen allele CA366523790.
Genomic context (GRCh38, chr7:193,618, plus strand): 5'-CCTTGCGGGGGCGGGATCCCGGCGCCCTAAGACCCCACGACCCCGCGCACCGGCCGCTGC[T>C]GCGAGACCCCGGCCCGCGTCGGTCCGAGTCGCCCCCCGGCCCCGGCGGAGACGCCTCCCT-3'
Protein context (NP_064608.2, residues 130-150): RPHDPAHRPL[Leu140Pro]RDPGPRRSES

ClinVar aggregate classification (germline): Uncertain significance (1 of 4 stars; one submission).

Submission:

Labcorp Genetics (formerly Invitae), Labcorp
Classification: Uncertain significance. Last evaluated: 2022-08-20. Review status: criteria provided, single submitter. Criteria: Invitae Variant Classification Sherloc (09022015). Collection method: clinical testing. Allele origin: germline.
Comment: Algorithms developed to predict the effect of missense changes on protein structure and function output the following: SIFT: "Tolerated"; PolyPhen-2: "Benign"; Align-GVGD: "Class C0". The proline amino acid residue is found in multiple mammalian species, which suggests that this missense change does not adversely affect protein function. In summary, the available evidence is currently insufficient to determine the role of this variant in disease. Therefore, it has been classified as a Variant of Uncertain Significance. This variant has not been reported in the literature in individuals affected with FAM20C-related conditions. This variant is not present in population databases (gnomAD no frequency). This sequence change replaces leucine, which is neutral and non-polar, with proline, which is neutral and non-polar, at codon 140 of the FAM20C protein (p.Leu140Pro).